The following is an entry in ClinVar:

ClinVar aggregate classification (germline): Uncertain significance (1 of 4 stars; one submission).

gnomAD v4.1: 13 of 1,610,278 alleles (0.00081%); highest among the groups gnomAD compares: Non-Finnish European, 0.0011%; no homozygotes.

Submission:

Labcorp Genetics (formerly Invitae), Labcorp
Classification: Uncertain significance. Last evaluated: 2025-12-24. Review status: criteria provided, single submitter. Criteria: Invitae Variant Classification Sherloc (09022015). Collection method: clinical testing. Allele origin: germline.
Comment: This sequence change replaces arginine, which is basic and polar, with histidine, which is basic and polar, at codon 345 of the TRPV6 protein (p.Arg345His). This variant is present in population databases (rs745408146, gnomAD 0.002%). This missense change has been observed in individual(s) with chronic pancreatitis (PMID: 31930989, 32383311, 34923708). Algorithms developed to predict the effect of variants on gene product structure and function are not available or were not evaluated for this variant. Experimental studies have shown that this missense change affects TRPV6 function (PMID: 32383311). In summary, the available evidence is currently insufficient to determine the role of this variant in disease. Therefore, it has been classified as a Variant of Uncertain Significance.

Literature cited by the submitters: PubMed 31930989; PubMed 32383311; PubMed 34923708.

NM_018646.6(TRPV6):c.1034G>A (p.Arg345His)

Gene: TRPV6 (transient receptor potential cation channel subfamily V member 6; minus strand). Cytogenetic location: 7q34.
Variant type: single nucleotide variant.
Coding change: c.1034G>A on transcript NM_018646.6 (MANE Select); coding-DNA position 1034, G replaced by A.
Protein change: p.Arg345His; replaces arginine 345 with histidine.
Molecular consequence: missense variant.
Genome position (GRCh38, 1-based): chr7:142,875,676, C>T on the plus strand (G>A on the coding strand, the complement: TRPV6 is on the minus strand). VCF-style: chr7-142875676-C-T. GRCh37 (hg19) VCF-style: chr7-142573429-C-T.
Other names: short protein forms R345H.
Identifiers: ClinVar variation 4698270 (VCV004698270.1).